The following is an entry in ClinVar:

ClinVar aggregate classification (germline): Benign. Review status: criteria provided, multiple submitters, no conflicts (2 of 4 stars). 2 submissions from 2 submitters: Benign (2). Last evaluated 2026-02-04.

Conditions:
MHC class I deficiency. Identifiers: Orphanet 34592, MedGen C6024714, MONDO:0011476.

Allele frequency attached by ClinVar (database versions not stated): ESP Exome Variant Server 0.16075; gnomAD 0.25754 and 0.26349; TOPMed 0.25906; gnomAD exomes 0.26835 and 0.31443; 1000 Genomes Project 30x 0.29919; 1000 Genomes Project 0.30052; ExAC 0.34893.
gnomAD v4.1: 409,095 of 1,524,222 alleles (27%); highest among the groups gnomAD compares: South Asian, 39%; 57,377 homozygotes.

Submissions (11):

Labcorp Genetics (formerly Invitae), Labcorp
Classification: Benign for MHC class I deficiency 1. Last evaluated: 2026-02-04. Review status: criteria provided, single submitter. Criteria: Invitae Variant Classification Sherloc (09022015). Collection method: clinical testing. Allele origin: germline.

Laboratory for Molecular Medicine, Mass General Brigham Personalized Medicine
Classification: Benign. Last evaluated: 2016-03-28. Review status: criteria provided, single submitter. Criteria: LMM Criteria. Collection method: clinical testing. Allele origin: germline.
Comment: Variant identified in a genome or exome case(s) and assessed due to predicted null impact of the variant or pathogenic assertions in the literature or databases. Disclaimer: This variant has not undergone full assessment. The following are preliminary notes: Frequency

Dr. Peter K. Rogan Lab, Western University
No classification provided (evidence only). Condition: Gastric cancer. Review status: no classification provided. Collection method: in vitro. Allele origin: not applicable. Functional consequence: retained intron. Not counted in ClinVar's aggregate classification.

Dr. Peter K. Rogan Lab, Western University
No classification provided (evidence only). Condition: Gastric cancer. Review status: no classification provided. Collection method: in vitro. Allele origin: not applicable. Functional consequence: retained intron. Not counted in ClinVar's aggregate classification.

Dr. Peter K. Rogan Lab, Western University
No classification provided (evidence only). Condition: Gastric cancer. Review status: no classification provided. Collection method: in vitro. Allele origin: not applicable. Functional consequence: retained intron. Not counted in ClinVar's aggregate classification.

Dr. Peter K. Rogan Lab, Western University
No classification provided (evidence only). Condition: Gastric cancer. Review status: no classification provided. Collection method: in vitro. Allele origin: not applicable. Functional consequence: retained intron. Not counted in ClinVar's aggregate classification.

Dr. Peter K. Rogan Lab, Western University
No classification provided (evidence only). Condition: Uterine carcinosarcoma. Review status: no classification provided. Collection method: in vitro. Allele origin: not applicable. Functional consequence: retained intron. Not counted in ClinVar's aggregate classification.

Dr. Peter K. Rogan Lab, Western University
No classification provided (evidence only). Condition: Uterine carcinosarcoma. Review status: no classification provided. Collection method: in vitro. Allele origin: not applicable. Functional consequence: retained intron. Not counted in ClinVar's aggregate classification.

Dr. Peter K. Rogan Lab, Western University
No classification provided (evidence only). Condition: Uterine carcinosarcoma. Review status: no classification provided. Collection method: in vitro. Allele origin: not applicable. Functional consequence: retained intron. Not counted in ClinVar's aggregate classification.

Dr. Peter K. Rogan Lab, Western University
No classification provided (evidence only). Condition: Uterine carcinosarcoma. Review status: no classification provided. Collection method: in vitro. Allele origin: not applicable. Functional consequence: retained intron. Not counted in ClinVar's aggregate classification.

Dr. Peter K. Rogan Lab, Western University
No classification provided (evidence only). Condition: Uterine carcinosarcoma. Review status: no classification provided. Collection method: in vitro. Allele origin: not applicable. Functional consequence: retained intron. Not counted in ClinVar's aggregate classification.

NM_001290043.2(TAP2):c.*30G>T

Gene: TAP2 (transporter 2, ATP binding cassette subfamily B member; minus strand). Cytogenetic location: 6p21.32.
Variant type: single nucleotide variant.
Coding change: c.*30G>T on transcript NM_001290043.2 (MANE Select); 30 bases downstream of the stop codon, G replaced by T.
Molecular consequence: 3 prime UTR variant. On other transcripts: no sequence alteration (2), intron variant (1).
Genome position (GRCh38, 1-based): chr6:32,828,876, C>A on the plus strand (G>T on the coding strand, the complement: TAP2 is on the minus strand). VCF-style: chr6-32828876-C-A. GRCh37 (hg19) VCF-style: chr6-32796653-C-A.
Other names: c.2091G>T (NM_000544.3); c.2091=, p.Val697= (NM_000544.3); c.1932+524G>T (NM_018833.3).
Identifiers: ClinVar variation 403509 (VCV000403509.14), dbSNP rs241449, ClinGen allele CA3745727.